The following is an entry in ClinVar:

NM_001201543.2(FAM161A):c.813A>C (p.Lys271Asn)

Gene: FAM161A (FAM161 centrosomal protein A; minus strand). Cytogenetic location: 2p15.
Variant type: single nucleotide variant.
Coding change: c.813A>C on transcript NM_001201543.2 (MANE Select); coding-DNA position 813, A replaced by C.
Protein change: p.Lys271Asn; replaces lysine 271 with asparagine.
Molecular consequence: missense variant. On other transcripts: non-coding transcript variant (1).
Genome position (GRCh38, 1-based): chr2:61,840,191, T>G on the plus strand (A>C on the coding strand, the complement: FAM161A is on the minus strand). VCF-style: chr2-61840191-T-G. GRCh37 (hg19) VCF-style: chr2-62067326-T-G.
Other names: c.813A>C, p.Lys271Asn (NM_032180.3); short protein forms K271N.
Identifiers: ClinVar variation 1464780 (VCV001464780.6), dbSNP rs2105082635, ClinGen allele CA346988104.

ClinVar aggregate classification (germline): Uncertain significance (1 of 4 stars; one submission).

Submission:

Labcorp Genetics (formerly Invitae), Labcorp
Classification: Uncertain significance. Last evaluated: 2021-12-22. Review status: criteria provided, single submitter. Criteria: Invitae Variant Classification Sherloc (09022015). Collection method: clinical testing. Allele origin: germline.
Comment: This sequence change replaces lysine, which is basic and polar, with asparagine, which is neutral and polar, at codon 271 of the FAM161A protein (p.Lys271Asn). This variant is not present in population databases (gnomAD no frequency). This variant has not been reported in the literature in individuals affected with FAM161A-related conditions. Algorithms developed to predict the effect of missense changes on protein structure and function output the following: SIFT: "Deleterious"; PolyPhen-2: "Benign"; Align-GVGD: "Class C0". The asparagine amino acid residue is found in multiple mammalian species, which suggests that this missense change does not adversely affect protein function. In summary, the available evidence is currently insufficient to determine the role of this variant in disease. Therefore, it has been classified as a Variant of Uncertain Significance.